The following is an entry in ClinVar:

NM_012140.5(SLC25A10):c.304A>T (p.Lys102Ter)

Gene: SLC25A10 (solute carrier family 25 member 10; plus strand). Cytogenetic location: 17q25.3.
Variant type: single nucleotide variant.
Coding change: c.304A>T on transcript NM_012140.5 (MANE Select); coding-DNA position 304, A replaced by T.
Protein change: p.Lys102Ter; replaces lysine 102 with a stop codon.
Molecular consequence: nonsense.
Genome position (GRCh38, 1-based): chr17:81,715,568, A>T. VCF-style: chr17-81715568-A-T. GRCh37 (hg19) VCF-style: chr17-79682598-A-T.
Other names: c.304A>T, p.Lys102Ter (NM_001270888.2, NM_001270953.2); short protein forms K102*.
Identifiers: ClinVar variation 446175 (VCV000446175.6), dbSNP rs1555703272, ClinGen allele CA401517376.
Genomic context (GRCh38, chr17:81,715,568, plus strand): 5'-TACGAGACTGTGCGGGACCGTGTGGCCAAGGGCAGCCAGGGGCCTCTCCCCTTCCACGAG[A>T]AGGTGTTGCTGGGCTCCGTCAGCGGTGAGCTGCCGGGCGGGAGGGGGAGGGGCGCGGGGT-3'

ClinVar aggregate classification (germline): Likely pathogenic. Review status: criteria provided, multiple submitters, no conflicts (2 of 4 stars). 3 submissions from 3 submitters: Likely pathogenic (2). 1 of the submissions does not count toward it. Last evaluated 2021-04-01.

Conditions:
Mitochondrial DNA depletion syndrome 19. Identifiers: MedGen C5436514, MONDO:0033545, OMIM 618972.
Mitochondrial complex I deficiency. Also called: NADH:Q(1) OXIDOREDUCTASE DEFICIENCY. Identifiers: Orphanet 2609, MedGen C1838979, MeSH C537475, MONDO:0100133.

Submissions (3):

SIB Swiss Institute of Bioinformatics
Classification: Likely pathogenic for Mitochondrial DNA depletion syndrome 19. Last evaluated: 2021-04-01. Review status: criteria provided, single submitter. Criteria: ACMG Guidelines, 2015. Collection method: curation. Allele origin: unknown.
Comment: This variant is interpreted as a likely pathogenic for Mitochondrial DNA depletion syndrome 19, autosomal recessive. The following ACMG Tag(s) were applied: Absent from controls (or at extremely low frequency if recessive) in Exome Sequencing Project, 1000 Genomes Project, or Exome Aggregation Consortium (PM2); Predicted nullvariant in a gene where LOF is a known mechanism of disease (PVS1 downgraded to moderate); Well-established functional studies show a deleterious effect (PS3 downgraded to moderate).

Computational Biology Unit, University of Bari
Classification: Likely pathogenic for Mitochondrial complex I deficiency, nuclear type 1. Review status: criteria provided, single submitter. Criteria: Submitter's publication. Collection method: research, in vitro. Allele origin: maternal, not applicable. Affected: yes. Observed: 1 heterozygote. Segregation with disease observed.

OMIM
Classification: Pathogenic for MITOCHONDRIAL DNA DEPLETION SYNDROME 19 (1 patient). Last evaluated: 2020-11-10. Review status: no assertion criteria provided. Collection method: literature only. Allele origin: germline. Not counted in ClinVar's aggregate classification.

Literature cited by the submitters: PubMed 29211846 (cited by SIB Swiss Institute of Bioinformatics and OMIM).